The following is an entry in ClinVar:

ClinVar aggregate classification (germline): Uncertain significance. Review status: criteria provided, multiple submitters, no conflicts (2 of 4 stars). 2 submissions from 2 submitters: Uncertain significance (2). Last evaluated 2023-03-28.

Conditions:
Fanconi anemia (FA). Also called: Fanconi's anemia. Identifiers: Orphanet 84, MedGen C0015625, MeSH D005199, MONDO:0019391.

gnomAD v4.1: 11 of 1,614,008 alleles (0.00068%); highest among the groups gnomAD compares: South Asian, 0.0099%; no homozygotes.

Submissions (2):

Quest Diagnostics Nichols Institute San Juan Capistrano
Classification: Uncertain significance. Last evaluated: 2023-03-28. Review status: criteria provided, single submitter. Criteria: Quest Diagnostics criteria. Collection method: clinical testing. Allele origin: unknown.
Comment: The variant has not been reported in the published literature. The frequency of this variant in the general population, 0.000098 (3/30614 chromosomes), is uninformative in assessment of its pathogenicity. Analysis of this variant using bioinformatics tools for the prediction of the effect of amino acid changes on protein structure and function yielded conflicting predictions that this variant is benign or damaging. Based on the available information, we are unable to determine the clinical significance of this variant.

Labcorp Genetics (formerly Invitae), Labcorp
Classification: Uncertain significance for Fanconi anemia. Last evaluated: 2022-08-23. Review status: criteria provided, single submitter. Criteria: Invitae Variant Classification Sherloc (09022015). Collection method: clinical testing. Allele origin: germline.
Comment: This sequence change replaces leucine, which is neutral and non-polar, with phenylalanine, which is neutral and non-polar, at codon 521 of the FANCA protein (p.Leu521Phe). This variant is present in population databases (rs768419751, gnomAD 0.01%). This variant has not been reported in the literature in individuals affected with FANCA-related conditions. Advanced modeling of protein sequence and biophysical properties (such as structural, functional, and spatial information, amino acid conservation, physicochemical variation, residue mobility, and thermodynamic stability) performed at Invitae indicates that this missense variant is expected to disrupt FANCA protein function. In summary, the available evidence is currently insufficient to determine the role of this variant in disease. Therefore, it has been classified as a Variant of Uncertain Significance.

NM_000135.4(FANCA):c.1561C>T (p.Leu521Phe)

Gene: FANCA (FA complementation group A; minus strand). Cytogenetic location: 16q24.3.
Variant type: single nucleotide variant.
Coding change: c.1561C>T on transcript NM_000135.4 (MANE Select); coding-DNA position 1561, C replaced by T.
Protein change: p.Leu521Phe; replaces leucine 521 with phenylalanine.
Molecular consequence: missense variant.
Genome position (GRCh38, 1-based): chr16:89,783,012, G>A on the plus strand (C>T on the coding strand, the complement: FANCA is on the minus strand). VCF-style: chr16-89783012-G-A. GRCh37 (hg19) VCF-style: chr16-89849420-G-A.
Other names: c.1561C>T, p.Leu521Phe (NM_001286167.3); c.1561C>T (NM_000135.3); short protein forms L521F.
Identifiers: ClinVar variation 2155204 (VCV002155204.2), dbSNP rs768419751, ClinGen allele CA8252274.